The following is an entry in ClinVar:

NM_000392.5(ABCC2):c.4516G>A (p.Val1506Ile)

Gene: ABCC2 (ATP binding cassette subfamily C member 2; plus strand). Cytogenetic location: 10q24.2.
Variant type: single nucleotide variant.
Coding change: c.4516G>A on transcript NM_000392.5 (MANE Select); coding-DNA position 4516, G replaced by A.
Protein change: p.Val1506Ile; replaces valine 1506 with isoleucine.
Molecular consequence: missense variant.
Genome position (GRCh38, 1-based): chr10:99,851,509, G>A. VCF-style: chr10-99851509-G-A. GRCh37 (hg19) VCF-style: chr10-101611266-G-A.
Other names: short protein forms V1506I.
Identifiers: ClinVar variation 4987823 (VCV004987823.1).

ClinVar aggregate classification (germline): Uncertain significance (1 of 4 stars; one submission).

Conditions:
ABCC2-related disorder. Also called: ABCC2-related condition.

Submission:

PreventionGenetics, part of Exact Sciences
Classification: Uncertain significance for ABCC2-related condition. Last evaluated: 2025-03-26. Review status: criteria provided, single submitter. Criteria: ACMG Guidelines, 2015. Collection method: clinical testing. Allele origin: germline.
Comment: The ABCC2 c.4516G>A variant is predicted to result in the amino acid substitution p.Val1506Ile. To our knowledge, this variant has not been reported in the literature. This variant is reported in 0.0058% of alleles in individuals of Latino descent in gnomAD. At this time, the clinical significance of this variant is uncertain due to the absence of conclusive functional and genetic evidence.